The following is an entry in ClinVar:

ClinVar aggregate classification (germline): Pathogenic/Likely pathogenic. Review status: criteria provided, multiple submitters, no conflicts (2 of 4 stars). 3 submissions from 3 submitters: Pathogenic (1); Likely pathogenic (1). 1 of the submissions does not count toward it. Last evaluated 2026-03-24.

Conditions:
Neurodevelopmental disorder with dysmorphic facies and distal skeletal anomalies. Identifiers: MedGen C5231448, MONDO:0032855, OMIM 618659.

Allele frequency attached by ClinVar (database versions not stated): gnomAD exomes below 0.00001.

Submissions (3):

GeneDx
Classification: Pathogenic. Last evaluated: 2026-03-24. Review status: criteria provided, single submitter. Criteria: GeneDx Variant Classification Process June 2021. Collection method: clinical testing. Allele origin: germline.
Comment: Nonsense variant predicted to result in protein truncation or nonsense mediated decay in a gene for which loss of function is a known mechanism of disease; Not observed at significant frequency in large population cohorts (gnomAD); Has not been previously published as pathogenic or benign to our knowledge

Centre of Medical Genetics, University Hospital Muenster
Classification: Likely pathogenic. Last evaluated: 2024-06-29. Review status: criteria provided, single submitter. Criteria: ACMG Guidelines, 2015. Collection method: clinical testing. Allele origin: unknown. Affected: yes. Observed: 1 variant allele, 1 heterozygote.
Comment: ACMG categories: PVS1,PM2

Clinical Laboratory Sciences Program (CLSP), King Saud bin Abdulaziz University for Health Sciences (KSAU-HS)
Classification: Likely pathogenic for Neurodevelopmental disorder with dysmorphic facies and distal skeletal anomalies. Last evaluated: 2023-04-01. Review status: no assertion criteria provided. Collection method: clinical testing. Allele origin: germline. Affected: yes. Not counted in ClinVar's aggregate classification.

NM_020338.4(ZMIZ1):c.328C>T (p.Arg110Ter)

Gene: ZMIZ1 (zinc finger MIZ-type containing 1; plus strand). Cytogenetic location: 10q22.3.
Variant type: single nucleotide variant.
Coding change: c.328C>T on transcript NM_020338.4 (MANE Select); coding-DNA position 328, C replaced by T.
Protein change: p.Arg110Ter; replaces arginine 110 with a stop codon.
Molecular consequence: nonsense.
Genome position (GRCh38, 1-based): chr10:79,277,228, C>T. VCF-style: chr10-79277228-C-T. GRCh37 (hg19) VCF-style: chr10-81036985-C-T.
Other names: short protein forms R110*.
Identifiers: ClinVar variation 2503420 (VCV002503420.4), dbSNP rs2493741274, ClinGen allele CA377415285.
Genomic context (GRCh38, chr10:79,277,228, plus strand): 5'-GTCCTTCCTGCAGCCTTGTTGTCCTCCTGGTGCGAAGAGCTCGGCCGCCTGCTGCTGCTC[C>T]GACATCAGAAGAGCCGCCAGAGCGATCCCCCTGGGAAACTCCCCATGCAGCCCCCTCTCA-3'